The following is an entry in ClinVar:

ClinVar aggregate classification (germline): Likely benign (1 of 4 stars; one submission).

gnomAD v4.1: 2 of 1,613,958 alleles (0.00012%); highest among the groups gnomAD compares: African/African-American, 0.0013%; no homozygotes.

Submission:

CeGaT Center for Human Genetics Tuebingen
Classification: Likely benign. Last evaluated: 2026-03-01. Review status: criteria provided, single submitter. Criteria: CeGaT Center For Human Genetics Tuebingen Variant Classification Criteria Version 2. Collection method: clinical testing. Allele origin: germline. Affected: yes. Observed: 1 variant allele.
Comment: DNMT3A: BP4, BP7

NM_022552.5(DNMT3A):c.1047G>C (p.Ser349=)

Gene: DNMT3A (DNA methyltransferase 3 alpha; minus strand). Cytogenetic location: 2p23.3.
Variant type: single nucleotide variant.
Coding change: c.1047G>C on transcript NM_022552.5 (MANE Select); coding-DNA position 1047, G replaced by C.
Protein change: p.Ser349=; no amino-acid change (serine 349 retained).
Molecular consequence: synonymous variant. On other transcripts: non-coding transcript variant (1).
Genome position (GRCh38, 1-based): chr2:25,247,126, C>G on the plus strand (G>C on the coding strand, the complement: DNMT3A is on the minus strand). VCF-style: chr2-25247126-C-G. GRCh37 (hg19) VCF-style: chr2-25469995-C-G.
Other names: c.591G>C, p.Ser197= (NM_001320893.1); c.378G>C, p.Ser126= (NM_001375819.1); c.480G>C, p.Ser160= (NM_153759.3); c.1047G>C, p.Ser349= (NM_175629.2).
Identifiers: ClinVar variation 4822254 (VCV004822254.4).